The following is an entry in ClinVar:

ClinVar aggregate classification (germline): Pathogenic (1 of 4 stars; one submission).

Conditions:
Arginase deficiency. Also called: ARGININEMIA; ARG1 DEFICIENCY; Arginase 1 Deficiency. Identifiers: Orphanet 90, MedGen C0268548, MONDO:0008814, OMIM 207800.

Submission:

Myriad Genetics, Inc.
Classification: Pathogenic for Arginase deficiency. Last evaluated: 2026-08-13. Review status: criteria provided, single submitter. Criteria: Myriad Autosomal Dominant, Autosomal Recessive and X-Linked Classification Criteria (2023). Collection method: clinical testing. Allele origin: unknown.
Comment: NM_000045.3(ARG1):c.438_441delTTTC(F147Sfs*2) is expected to be pathogenic in the context of argininemia. This variant is predicted to lead to an abnormal or absent protein product due to the creation of a premature termination codon in ARG1, a gene where loss-of-function variants are known to be pathogenic. Please note: this variant was assessed in the context of healthy population screening.

NM_000045.4(ARG1):c.438_441del (p.Phe147fs)

Genes: ARG1 (arginase 1; plus strand), MED23 (mediator complex subunit 23; minus strand). Cytogenetic location: 6q23.2.
Variant type: Deletion.
Coding change: c.438_441del on transcript NM_000045.4 (MANE Select); coding-DNA positions 438 to 441, 4 bases deleted (TTTC; older notation c.438_441delTTTC).
Protein change: p.Phe147fs; shifts the reading frame from phenylalanine 147.
Molecular consequence: frameshift variant. On other transcripts: intron variant (3), non-coding transcript variant (1).
Genome position (GRCh38, 1-based): chr6:131,581,351-131,581,354, TTTC deleted; deleting any 4 consecutive bases within chr6:131,581,349-131,581,354 gives the same sequence; the c. name uses the placement nearest the transcript's 3' end. VCF-style (leftmost placement, unchanged base first): chr6-131581348-ATCTT-A. GRCh37 (hg19) VCF-style: chr6-131902488-ATCTT-A.
Other names: c.4077+6357_4077+6360del (NM_001270521.2); c.4095+6357_4095+6360del (NM_015979.4); c.462_465del, p.Phe155fs (NM_001244438.2); c.306-1709_306-1706del (NM_001369020.1); short protein forms F147fs, F155fs.
Identifiers: ClinVar variation 5016231 (VCV005016231.1).